The following is an entry in ClinVar:

ClinVar aggregate classification (germline): Uncertain significance (1 of 4 stars; one submission).

Submission:

Labcorp Genetics (formerly Invitae), Labcorp
Classification: Uncertain significance. Last evaluated: 2025-04-27. Review status: criteria provided, single submitter. Criteria: Invitae Variant Classification Sherloc (09022015). Collection method: clinical testing. Allele origin: germline.
Comment: This sequence change falls in intron 10 of the EFTUD2 gene. It does not directly change the encoded amino acid sequence of the EFTUD2 protein. It affects a nucleotide within the consensus splice site. This variant is not present in population databases (gnomAD no frequency). This variant has not been reported in the literature in individuals affected with EFTUD2-related conditions. Variants that disrupt the consensus splice site are a relatively common cause of aberrant splicing (PMID: 17576681, 9536098). Algorithms developed to predict the effect of sequence changes on RNA splicing suggest that this variant is not likely to affect RNA splicing. In summary, the available evidence is currently insufficient to determine the role of this variant in disease. Therefore, it has been classified as a Variant of Uncertain Significance.

Literature cited by the submitters: PubMed 17576681; PubMed 9536098.

NM_004247.4(EFTUD2):c.869+4G>T

Gene: EFTUD2 (elongation factor Tu GTP binding domain containing 2; minus strand). Cytogenetic location: 17q21.31.
Variant type: single nucleotide variant.
Coding change: c.869+4G>T on transcript NM_004247.4 (MANE Select); 4 bases into the intron after coding-DNA position 869, G replaced by T.
Molecular consequence: intron variant.
Genome position (GRCh38, 1-based): chr17:44,875,930, C>A on the plus strand (G>T on the coding strand, the complement: EFTUD2 is on the minus strand). VCF-style: chr17-44875930-C-A. GRCh37 (hg19) VCF-style: chr17-42953298-C-A.
Other names: c.764+4G>T (NM_001142605.2); c.839+4G>T (NM_001258354.2); c.869+4G>T (NM_001258353.2).
Identifiers: ClinVar variation 4809076 (VCV004809076.1).